The following is an entry in ClinVar:

NM_006059.4(LAMC3):c.4378-4A>G

Gene: LAMC3 (laminin subunit gamma 3; plus strand). Cytogenetic location: 9q34.12.
Variant type: single nucleotide variant.
Coding change: c.4378-4A>G on transcript NM_006059.4 (MANE Select); 4 bases into the intron before coding-DNA position 4378, A replaced by G.
Molecular consequence: intron variant.
Genome position (GRCh38, 1-based): chr9:131,087,714, A>G. VCF-style: chr9-131087714-A-G. GRCh37 (hg19) VCF-style: chr9-133963101-A-G.
Identifiers: ClinVar variation 129467 (VCV000129467.18), dbSNP rs4740413, ClinGen allele CA153501.

ClinVar aggregate classification (germline): Benign. Review status: criteria provided, multiple submitters, no conflicts (2 of 4 stars). 7 submissions from 7 submitters: Benign (4). 3 of the submissions do not count toward it. Last evaluated 2026-02-04.

Conditions:
Occipital pachygyria and polymicrogyria. Identifiers: Orphanet 280640, MedGen C3279875, MONDO:0013583, OMIM 614115.

Allele frequency attached by ClinVar (database versions not stated): gnomAD exomes 0.40010 and 0.40781; 1000 Genomes Project 30x 0.36727; 1000 Genomes Project 0.37121; ESP Exome Variant Server 0.37706; TOPMed 0.37953; gnomAD 0.38295 and 0.38051; ExAC 0.40798.
gnomAD v4.1: 643,663 of 1,613,812 alleles (40%); highest among the groups gnomAD compares: South Asian, 48%; 130,131 homozygotes.

Submissions (7):

Labcorp Genetics (formerly Invitae), Labcorp
Classification: Benign. Last evaluated: 2026-02-04. Review status: criteria provided, single submitter. Criteria: Invitae Variant Classification Sherloc (09022015). Collection method: clinical testing. Allele origin: germline.

Genome-Nilou Lab
Classification: Benign for Occipital pachygyria and polymicrogyria. Last evaluated: 2021-08-19. Review status: criteria provided, single submitter. Criteria: ACMG Guidelines, 2015. Collection method: clinical testing. Allele origin: germline. Affected: no.

GeneDx
Classification: Benign. Last evaluated: 2015-03-03. Review status: criteria provided, single submitter. Criteria: GeneDx Variant Classification Process June 2021. Collection method: clinical testing. Allele origin: germline. Affected: yes.

Breakthrough Genomics
Classification: Benign. Review status: criteria provided, single submitter. Criteria: ACMG Guidelines, 2015. Collection method: not provided. Allele origin: germline. Inheritance: Autosomal recessive inheritance. Affected: yes.

Clinical Genetics DNA and cytogenetics Diagnostics Lab, Erasmus MC, Erasmus Medical Center
Classification: Benign. Review status: no assertion criteria provided. Collection method: clinical testing. Allele origin: germline. Affected: yes. Study: VKGL Data-share Consensus. Not counted in ClinVar's aggregate classification.

Diagnostic Laboratory, Department of Genetics, University Medical Center Groningen
Classification: Benign for Occipital pachygyria and polymicrogyria. Review status: no assertion criteria provided. Collection method: clinical testing. Allele origin: germline. Affected: yes. Study: VKGL Data-share Consensus. Not counted in ClinVar's aggregate classification.

Genetic Services Laboratory, University of Chicago
Classification: Likely benign for AllHighlyPenetrant. Review status: no assertion criteria provided. Collection method: clinical testing. Allele origin: germline. Inheritance: X-linked inheritance. Not counted in ClinVar's aggregate classification.
Comment: Likely benign based on allele frequency in 1000 Genomes Project or ESP global frequency and its presence in a patient with a rare or unrelated disease phenotype. NOT Sanger confirmed.